The following is an entry in ClinVar:

ClinVar aggregate classification (germline): Benign/Likely benign. Review status: criteria provided, multiple submitters, no conflicts (2 of 4 stars). 3 submissions from 3 submitters: Benign (1); Likely benign (2). Last evaluated 2026-01-27.

Conditions:
TBCK-related disorder. Also called: TBCK-related disorders; TBCK-related condition.

Allele frequency attached by ClinVar (database versions not stated): gnomAD exomes 0.00009 and 0.00026; ExAC 0.00028; 1000 Genomes Project 30x 0.00047; 1000 Genomes Project 0.00060; TOPMed 0.00091; gnomAD 0.00095 and 0.00101; ESP Exome Variant Server 0.00123.
gnomAD v4.1: 283 of 1,612,232 alleles (0.018%); highest among the groups gnomAD compares: African/African-American, 0.34%; no homozygotes.

Submissions (3):

Labcorp Genetics (formerly Invitae), Labcorp
Classification: Benign. Last evaluated: 2026-01-27. Review status: criteria provided, single submitter. Criteria: Invitae Variant Classification Sherloc (09022015). Collection method: clinical testing. Allele origin: germline.

PreventionGenetics, part of Exact Sciences
Classification: Likely benign for TBCK-related condition. Last evaluated: 2025-02-07. Review status: criteria provided, single submitter. Criteria: ACMG Guidelines, 2015. Collection method: clinical testing. Allele origin: germline.
Comment: This variant is classified as likely benign based on ACMG/AMP sequence variant interpretation guidelines (Richards et al. 2015 PMID: 25741868, with internal and published modifications).

Blueprint Genetics
Classification: Likely benign. Last evaluated: 2023-10-06. Review status: criteria provided, single submitter. Criteria: ACMG Guidelines, 2015. Collection method: clinical testing. Allele origin: germline.

NM_001163435.3(TBCK):c.1566A>G (p.Pro522=)

Gene: TBCK (TBC1 domain containing kinase; minus strand). Cytogenetic location: 4q24.
Variant type: single nucleotide variant.
Coding change: c.1566A>G on transcript NM_001163435.3 (MANE Select); coding-DNA position 1566, A replaced by G.
Protein change: p.Pro522=; no amino-acid change (proline 522 retained).
Molecular consequence: synonymous variant.
Genome position (GRCh38, 1-based): chr4:106,233,011, T>C on the plus strand (A>G on the coding strand, the complement: TBCK is on the minus strand). VCF-style: chr4-106233011-T-C. GRCh37 (hg19) VCF-style: chr4-107154168-T-C.
Other names: c.1050A>G, p.Pro350= (NM_001290768.2); c.1377A>G, p.Pro459= (NM_033115.5); c.1566A>G, p.Pro522= (NM_001163436.4); c.1449A>G, p.Pro483= (NM_001163437.3).
Identifiers: ClinVar variation 709735 (VCV000709735.10), dbSNP rs145621380, ClinGen allele CA3035021.